The following is an entry in ClinVar:

NM_001385875.1(ZFYVE27):c.1041C>T (p.Phe347=)

Gene: ZFYVE27 (zinc finger FYVE-type containing 27; plus strand). Cytogenetic location: 10q24.2.
Variant type: single nucleotide variant.
Coding change: c.1041C>T on transcript NM_001385875.1 (MANE Select); coding-DNA position 1041, C replaced by T.
Protein change: p.Phe347=; no amino-acid change (phenylalanine 347 retained).
Molecular consequence: synonymous variant. On other transcripts: non-coding transcript variant (17).
Genome position (GRCh38, 1-based): chr10:97,753,181, C>T. VCF-style: chr10-97753181-C-T. GRCh37 (hg19) VCF-style: chr10-99512938-C-T.
Other names: c.1056C>T, p.Phe352= (NM_001002261.4, NM_001385871.1); c.1020C>T, p.Phe340= (NM_001002262.4, NM_001385880.1, NM_001385881.1 and 2 more transcripts); c.924C>T, p.Phe308= (NM_001174119.2, NM_001385889.1); c.762C>T, p.Phe254= (NM_001174120.2); c.741C>T, p.Phe247= (NM_001174121.2, NM_001385915.1); c.666C>T, p.Phe222= (NM_001174122.2); c.1074C>T, p.Phe358= (NM_001385876.1); c.1038C>T, p.Phe346= (NM_001385877.1); and 14 more.
Identifiers: ClinVar variation 4691046 (VCV004691046.1).

ClinVar aggregate classification (germline): Uncertain significance (1 of 4 stars; one submission).

Conditions:
Spastic paraplegia. Identifiers: MedGen C0037772, HP:0001258.

Submission:

Labcorp Genetics (formerly Invitae), Labcorp
Classification: Uncertain significance for Spastic paraplegia. Last evaluated: 2025-04-30. Review status: criteria provided, single submitter. Criteria: Invitae Variant Classification Sherloc (09022015). Collection method: clinical testing. Allele origin: germline.
Comment: This sequence change affects codon 352 of the ZFYVE27 mRNA. It is a 'silent' change, meaning that it does not change the encoded amino acid sequence of the ZFYVE27 protein. It affects a nucleotide within the consensus splice site. This variant is present in population databases (rs149770775, gnomAD 0.01%). This variant has not been reported in the literature in individuals affected with ZFYVE27-related conditions. Algorithms developed to predict the effect of sequence changes on RNA splicing suggest that this variant is not likely to affect RNA splicing. In summary, the available evidence is currently insufficient to determine the role of this variant in disease. Therefore, it has been classified as a Variant of Uncertain Significance.